The following is an entry in ClinVar:

ClinVar aggregate classification (germline): Likely benign (1 of 4 stars; one submission).

gnomAD v4.1: 1,129 of 1,581,786 alleles (0.071%); highest among the groups gnomAD compares: African/African-American, 1.3%; 8 homozygotes.

Submission:

CeGaT Center for Human Genetics Tuebingen
Classification: Likely benign. Last evaluated: 2025-04-01. Review status: criteria provided, single submitter. Criteria: CeGaT Center For Human Genetics Tuebingen Variant Classification Criteria Version 2. Collection method: clinical testing. Allele origin: germline. Affected: yes. Observed: 1 variant allele.
Comment: CAPRIN1: BP4, BS1

NM_005898.5(CAPRIN1):c.2001+8A>T

Gene: CAPRIN1 (cell cycle associated protein 1; plus strand). Cytogenetic location: 11p13.
Variant type: single nucleotide variant.
Coding change: c.2001+8A>T on transcript NM_005898.5 (MANE Select); 8 bases into the intron after coding-DNA position 2001, A replaced by T.
Molecular consequence: intron variant.
Genome position (GRCh38, 1-based): chr11:34,097,304, A>T. VCF-style: chr11-34097304-A-T. GRCh37 (hg19) VCF-style: chr11-34118851-A-T.
Other names: c.2001+8A>T (NM_203364.3).
Identifiers: ClinVar variation 3898130 (VCV003898130.7).